The following is an entry in ClinVar:

ClinVar aggregate classification (germline): Conflicting classifications of pathogenicity. Review status: criteria provided, conflicting classifications (1 of 4 stars). 4 submissions from 4 submitters: Uncertain significance (2); Likely benign (2). Last evaluated 2021-12-17.

Conditions:
Hereditary cancer-predisposing syndrome. Also called: Hereditary Cancer Syndrome; Hereditary neoplastic syndrome; Tumor predisposition; Neoplastic Syndromes, Hereditary. Identifiers: Orphanet 140162, MedGen C0027672, MeSH D009386, MONDO:0015356.

Allele frequency attached by ClinVar (database versions not stated): ExAC 0.00004; gnomAD exomes 0.00004; TOPMed 0.00010; ESP Exome Variant Server 0.00031; 1000 Genomes Project 0.00040; 1000 Genomes Project 30x 0.00047.
gnomAD v4.1: 23 of 1,614,214 alleles (0.0014%); highest among the groups gnomAD compares: African/African-American, 0.029%; no homozygotes.

Submissions (4):

Labcorp Genetics (formerly Invitae), Labcorp
Classification: Uncertain significance. Last evaluated: 2021-12-17. Review status: criteria provided, single submitter. Criteria: Invitae Variant Classification Sherloc (09022015). Collection method: clinical testing. Allele origin: germline.
Comment: This sequence change replaces asparagine, which is neutral and polar, with lysine, which is basic and polar, at codon 167 of the XRCC2 protein (p.Asn167Lys). In summary, the available evidence is currently insufficient to determine the role of this variant in disease. Therefore, it has been classified as a Variant of Uncertain Significance. Algorithms developed to predict the effect of missense changes on protein structure and function (SIFT, PolyPhen-2, Align-GVGD) all suggest that this variant is likely to be tolerated. ClinVar contains an entry for this variant (Variation ID: 843067). This variant has not been reported in the literature in individuals affected with XRCC2-related conditions. This variant is present in population databases (rs149929851, gnomAD 0.05%).

Sema4
Classification: Uncertain significance for Hereditary cancer-predisposing syndrome. Last evaluated: 2021-08-11. Review status: criteria provided, single submitter. Criteria: Sema4 Curation Guidelines. Collection method: curation. Allele origin: germline.
Comment: The XRCC2 c.501C>A (p.N167K) variant has not been reported in the literature to our knowledge. It was observed in 9/16254 chromosomes of the African/African American subpopulation in the large and broad cohorts of the Genome Aggregation Database (PMID: 32461654). The variant has been reported in ClinVar (Variation ID 843067). In silico tools suggest the impact of the variant on protein function is benign, though these predictions have not been confirmed by functional studies. The evidence is insufficient to meet ACMG/AMP criteria for classifying the variant as benign or pathogenic. Thus, the clinical significance of this variant is currently uncertain.

Quest Diagnostics Nichols Institute San Juan Capistrano
Classification: Likely benign. Last evaluated: 2021-07-20. Review status: criteria provided, single submitter. Criteria: Quest Diagnostics criteria. Collection method: clinical testing. Allele origin: unknown.

Ambry Genetics
Classification: Likely benign for Hereditary cancer-predisposing syndrome. Last evaluated: 2020-07-09. Review status: criteria provided, single submitter. Criteria: Ambry Variant Classification Scheme 2023. Collection method: clinical testing. Allele origin: germline.

NM_005431.2(XRCC2):c.501C>A (p.Asn167Lys)

Gene: XRCC2 (X-ray repair cross complementing 2; minus strand). Cytogenetic location: 7q36.1.
Variant type: single nucleotide variant.
Coding change: c.501C>A on transcript NM_005431.2 (MANE Select); coding-DNA position 501, C replaced by A.
Protein change: p.Asn167Lys; replaces asparagine 167 with lysine.
Molecular consequence: missense variant.
Genome position (GRCh38, 1-based): chr7:152,648,984, G>T on the plus strand (C>A on the coding strand, the complement: XRCC2 is on the minus strand). VCF-style: chr7-152648984-G-T. GRCh37 (hg19) VCF-style: chr7-152346069-G-T.
Other names: short protein forms N167K.
Identifiers: ClinVar variation 843067 (VCV000843067.12), dbSNP rs149929851, ClinGen allele CA4582338.